The following is an entry in ClinVar:

NM_000523.4(HOXD13):c.541A>G (p.Asn181Asp)

Gene: HOXD13 (homeobox D13; plus strand). Cytogenetic location: 2q31.1.
Variant type: single nucleotide variant.
Coding change: c.541A>G on transcript NM_000523.4 (MANE Select); coding-DNA position 541, A replaced by G.
Protein change: p.Asn181Asp; replaces asparagine 181 with aspartic acid.
Molecular consequence: missense variant.
Genome position (GRCh38, 1-based): chr2:176,093,431, A>G. VCF-style: chr2-176093431-A-G. GRCh37 (hg19) VCF-style: chr2-176958159-A-G.
Other names: short protein forms N181D.
Identifiers: ClinVar variation 391071 (VCV000391071.8), dbSNP rs148979353, ClinGen allele CA1976621.
Genomic context (GRCh38, chr2:176,093,431, plus strand): 5'-GGCTTTCCCGTGGAGAAGTACATGGACGTGTCAGGCCTGGCGAGCAGCAGCGTACCGGCC[A>G]ACGAGGTGCCAGCGCGAGCCAAGGAGGTATCCTTCTACCAGGGCTATACGAGCCCTTACC-3'
Protein context (NP_000514.2, residues 171-191): SGLASSSVPA[Asn181Asp]EVPARAKEVS

ClinVar aggregate classification (germline): Likely benign. Review status: criteria provided, multiple submitters, no conflicts (2 of 4 stars). 3 submissions from 3 submitters: Likely benign (2). 1 of the submissions does not count toward it. Last evaluated 2023-02-01.

Conditions:
HOXD13-related disorder. Also called: HOXD13-related condition; HOXD13-related disorders.

Allele frequency attached by ClinVar (database versions not stated): gnomAD exomes 0.00016; ExAC 0.00018; ESP Exome Variant Server 0.00062; gnomAD 0.00083 and 0.00087; TOPMed 0.00090; 1000 Genomes Project 0.00140; 1000 Genomes Project 30x 0.00141.
gnomAD v4.1: 220 of 1,613,972 alleles (0.014%); highest among the groups gnomAD compares: African/African-American, 0.27%; no homozygotes.

Submissions (3):

Labcorp Genetics (formerly Invitae), Labcorp
Classification: Likely benign. Last evaluated: 2023-02-01. Review status: criteria provided, single submitter. Criteria: Invitae Variant Classification Sherloc (09022015). Collection method: clinical testing. Allele origin: germline.

GeneDx
Classification: Likely benign. Last evaluated: 2016-11-10. Review status: criteria provided, single submitter. Criteria: GeneDx Variant Classification (06012015). Collection method: clinical testing. Allele origin: germline. Affected: yes.
Comment: This variant is considered likely benign or benign based on one or more of the following criteria: it is a conservative change, it occurs at a poorly conserved position in the protein, it is predicted to be benign by multiple in silico algorithms, and/or has population frequency not consistent with disease.

PreventionGenetics, part of Exact Sciences
Classification: Likely benign for HOXD13-related condition. Last evaluated: 2019-07-15. Review status: no assertion criteria provided. Collection method: clinical testing. Allele origin: germline. Not counted in ClinVar's aggregate classification.
Comment: This variant is classified as likely benign based on ACMG/AMP sequence variant interpretation guidelines (Richards et al. 2015 PMID: 25741868, with internal and published modifications).